The following is an entry in ClinVar:

NM_002439.5(MSH3):c.1862T>C (p.Ile621Thr)

Gene: MSH3 (mutS homolog 3; plus strand). Cytogenetic location: 5q14.1.
Variant type: single nucleotide variant.
Coding change: c.1862T>C on transcript NM_002439.5 (MANE Select); coding-DNA position 1862, T replaced by C.
Protein change: p.Ile621Thr; replaces isoleucine 621 with threonine.
Molecular consequence: missense variant.
Genome position (GRCh38, 1-based): chr5:80,761,644, T>C. VCF-style: chr5-80761644-T-C. GRCh37 (hg19) VCF-style: chr5-80057463-T-C.
Other names: short protein forms I621T.
Identifiers: ClinVar variation 2184466 (VCV002184466.4), dbSNP rs750694528, ClinGen allele CA121314677.
Genomic context (GRCh38, chr5:80,761,644, plus strand): 5'-TCCATTCAGAATCTAGTGTGTTTGGTCAGATAGAAAATCATCTACGTAAATTGCCCGACA[T>C]AGAGAGGGGACTCTGTAGCATTTATCACAAAAAAGTAAGTGTGATAGAAATCTATTAAAG-3'
Protein context (NP_002430.3, residues 611-631): IENHLRKLPD[Ile621Thr]ERGLCSIYHK

ClinVar aggregate classification (germline): Uncertain significance (1 of 4 stars; one submission).

Submission:

Labcorp Genetics (formerly Invitae), Labcorp
Classification: Uncertain significance. Last evaluated: 2022-03-01. Review status: criteria provided, single submitter. Criteria: Invitae Variant Classification Sherloc (09022015). Collection method: clinical testing. Allele origin: germline.
Comment: This variant has not been reported in the literature in individuals affected with MSH3-related conditions. This variant is not present in population databases (gnomAD no frequency). This sequence change replaces isoleucine, which is neutral and non-polar, with threonine, which is neutral and polar, at codon 621 of the MSH3 protein (p.Ile621Thr). In summary, the available evidence is currently insufficient to determine the role of this variant in disease. Therefore, it has been classified as a Variant of Uncertain Significance. Algorithms developed to predict the effect of missense changes on protein structure and function are either unavailable or do not agree on the potential impact of this missense change (SIFT: "Deleterious"; PolyPhen-2: "Benign"; Align-GVGD: "Class C0").